The following is an entry in ClinVar:

ClinVar aggregate classification (germline): Uncertain significance (1 of 4 stars; one submission).

Conditions:
Multiple acyl-CoA dehydrogenase deficiency (MADD). Also called: Glutaric aciduria, type 2; Glutaric acidemia type II; GA 2; ETHYLMALONIC-ADIPICACIDURIA; GA II; Glutaric Acidemia type 2. Identifiers: Orphanet 26791, MedGen C0268596, MONDO:0009282, OMIM 231680.

Submission:

Labcorp Genetics (formerly Invitae), Labcorp
Classification: Uncertain significance for Multiple acyl-CoA dehydrogenase deficiency. Last evaluated: 2022-08-21. Review status: criteria provided, single submitter. Criteria: Invitae Variant Classification Sherloc (09022015). Collection method: clinical testing. Allele origin: germline.
Comment: A copy number gain of the genomic region encompassing the full coding sequence of the ETFA gene has been identified. The boundaries of this event are unknown as they extend beyond the assayed region for this gene and therefore may encompass additional genes. As the precise location of this event is unknown, it may be in tandem or it may be located elsewhere in the genome. This variant has not been reported in the literature in individuals affected with ETFA-related conditions. In summary, the available evidence is currently insufficient to determine the role of this variant in disease. Therefore, it has been classified as a Variant of Uncertain Significance.

NC_000015.9:g.(?_76508900)_(76603729_?)dup

Gene: ETFA (electron transfer flavoprotein subunit alpha; minus strand). Cytogenetic location: 15q24.2-24.3.
Variant type: Duplication.
Identifiers: ClinVar variation 2422390 (VCV002422390.4).